The following is an entry in ClinVar:

ClinVar aggregate classification (germline): Uncertain significance. Review status: criteria provided, multiple submitters, no conflicts (2 of 4 stars). 2 submissions from 2 submitters: Uncertain significance (2). Last evaluated 2025-10-20.

Conditions:
Inborn genetic diseases. Identifiers: MedGen C0950123, MeSH D030342.
Generalized epilepsy with febrile seizures plus, type 7 (GEFSP7). Also called: GEFS+, TYPE 7. Identifiers: Orphanet 36387, MedGen C2751778, MONDO:0013470, OMIM 613863.
Neuropathy, hereditary sensory and autonomic, type 2A (HSAN2A). Also called: WNK1-Related HSAN2 (HSAN2A); ACROOSTEOLYSIS, GIACCAI TYPE; ACROOSTEOLYSIS, NEUROGENIC; HSAN IIA; MORVAN DISEASE; NEUROPATHY, CONGENITAL SENSORY. Identifiers: Orphanet 970, MedGen C2752089, MONDO:0024309, OMIM 201300.

Allele frequency attached by ClinVar (database versions not stated): ExAC 0.00001; TOPMed 0.00001; gnomAD 0.00003.
gnomAD v4.1: 4 of 1,613,986 alleles (0.00025%); highest among the groups gnomAD compares: African/African-American, 0.004%; no homozygotes.

Submissions (2):

Labcorp Genetics (formerly Invitae), Labcorp
Classification: Uncertain significance for Neuropathy, hereditary sensory and autonomic, type 2A; Generalized epilepsy with febrile seizures plus, type 7. Last evaluated: 2025-10-20. Review status: criteria provided, single submitter. Criteria: Invitae Variant Classification Sherloc (09022015). Collection method: clinical testing. Allele origin: germline.
Comment: This sequence change replaces proline, which is neutral and non-polar, with alanine, which is neutral and non-polar, at codon 1861 of the SCN9A protein (p.Pro1861Ala). This variant is present in population databases (rs764685430, gnomAD 0.004%). This variant has not been reported in the literature in individuals affected with SCN9A-related conditions. ClinVar contains an entry for this variant (Variation ID: 2085144). Invitae Evidence Modeling of protein sequence and biophysical properties (such as structural, functional, and spatial information, amino acid conservation, physicochemical variation, residue mobility, and thermodynamic stability) indicates that this missense variant is not expected to disrupt SCN9A protein function with a negative predictive value of 95%. In summary, the available evidence is currently insufficient to determine the role of this variant in disease. Therefore, it has been classified as a Variant of Uncertain Significance.

Ambry Genetics
Classification: Uncertain significance for Inborn genetic diseases. Last evaluated: 2025-01-18. Review status: criteria provided, single submitter. Criteria: Ambry Variant Classification Scheme 2023. Collection method: clinical testing. Allele origin: germline.

NM_001365536.1(SCN9A):c.5614C>G (p.Pro1872Ala)

Genes: SCN1A-AS1 (SCN1A and SCN9A antisense RNA 1; plus strand), SCN9A (sodium voltage-gated channel alpha subunit 9; minus strand). Cytogenetic location: 2q24.3.
Variant type: single nucleotide variant.
Coding change: c.5614C>G on transcript NM_001365536.1 (MANE Select); coding-DNA position 5614, C replaced by G.
Protein change: p.Pro1872Ala; replaces proline 1872 with alanine.
Molecular consequence: missense variant.
Genome position (GRCh38, 1-based): chr2:166,199,025, G>C on the plus strand (C>G on the coding strand, the complement: SCN9A is on the minus strand). VCF-style: chr2-166199025-G-C. GRCh37 (hg19) VCF-style: chr2-167055535-G-C.
Other names: c.5581C>G, p.Pro1861Ala (NM_002977.4); short protein forms P1872A, P1861A.
Identifiers: ClinVar variation 2085144 (VCV002085144.5), dbSNP rs764685430, ClinGen allele CA1943648.
Genomic context (GRCh38, chr2:166,199,025, plus strand): 5'-ACACATCCTCTTGTTTCCGTTTTAGTGTGGTTGTGATGGGTTCATAGGACACTTTGGAAG[G>C]ATTTGCAGACATGAACCTTTCTTCCATCTGTGAACGAAGAGAATCCATCTCCCCACTCTC-3'
Protein context (NP_001352465.1, residues 1862-1882): QMEERFMSAN[Pro1872Ala]SKVSYEPITT